The following is an entry in ClinVar:

ClinVar aggregate classification (germline): Likely pathogenic (1 of 4 stars; one submission).

Conditions:
Cataract 1 multiple types. Also called: CATARACT, DUFFY-LINKED; CATARACT 1, POSTERIOR SUBCAPSULAR, WITH MICROCORNEA; CATARACT 1, STELLATE NUCLEAR, WITH MICROCORNEA; CATARACT 1, MULTIPLE TYPES, WITH OR WITHOUT MICROCORNEA; CATARACT 1, NUCLEAR PROGRESSIVE; CATARACT 1 WITH MICROCORNEA. Identifiers: Orphanet 1377, MedGen C1861828, MONDO:0007285, OMIM 116200.

Submission:

Dept. Genetics and Cancer, Menzies Institute for Medical Research, University of Tasmania
Classification: Likely pathogenic for Cataract 1 multiple types. Last evaluated: 2023-01-21. Review status: criteria provided, single submitter. Criteria: ACMG Guidelines, 2015. Collection method: curation. Allele origin: germline. Affected: yes.
Comment: Variant identified and curated during a GJA8 specific review of the literature in relation to pediatric or congenital cataract. ACMG-AMP criteria applied: PVS1(Strong), PM2(Supporting), PP1, PP3. Original variant report: PMID:17601931. The cataract phenotype reported for this variant is: Total. Additional phenotype/s reported in these individual/s are: Nystagmus. Gene review and curation guidelines are outlined in: DOI 10.1080/17469899.2023.2160320

Literature cited by the submitters: PubMed 17601931.

NM_005267.5(GJA8):c.607dup (p.Thr203fs)

Gene: GJA8 (gap junction protein alpha 8; plus strand). Cytogenetic location: 1q21.2.
Variant type: Duplication.
Coding change: c.607dup on transcript NM_005267.5 (MANE Select); coding-DNA position 607, one base duplicated (A; older notation c.607dupA).
Protein change: p.Thr203fs; shifts the reading frame from threonine 203.
Molecular consequence: frameshift variant.
Genome position (GRCh38, 1-based): chr1:147,908,562, A duplicated; the last of 4 consecutive A bases (chr1:147,908,559-147,908,562); duplicating any one gives the same sequence. VCF-style (leftmost placement, unchanged base first): chr1-147908558-G-GA. GRCh37 (hg19) VCF-style: chr1-147380685-G-GA.
Other names: short protein forms T203fs.
Identifiers: ClinVar variation 3253668 (VCV003253668.1), dbSNP rs2524891890.